The following is an entry in ClinVar:

NM_001042492.3(NF1):c.5353G>T (p.Ala1785Ser)

Gene: NF1 (neurofibromin 1; plus strand). Cytogenetic location: 17q11.2.
Variant type: single nucleotide variant.
Coding change: c.5353G>T on transcript NM_001042492.3 (MANE Select); coding-DNA position 5353, G replaced by T.
Protein change: p.Ala1785Ser; replaces alanine 1785 with serine.
Molecular consequence: missense variant.
Genome position (GRCh38, 1-based): chr17:31,327,583, G>T. VCF-style: chr17-31327583-G-T. GRCh37 (hg19) VCF-style: chr17-29654601-G-T.
Other names: c.5290G>T, p.Ala1764Ser (NM_000267.4); short protein forms A1764S, A1785S.
Identifiers: ClinVar variation 68355 (VCV000068355.2), dbSNP rs199474782, ClinGen allele CA219603.

ClinVar aggregate classification (germline): Uncertain significance. Review status: criteria provided, single submitter (1 of 4 stars). 2 submissions from 2 submitters: Uncertain significance (1). 1 of the submissions does not count toward it. Last evaluated 2022-05-22.

Conditions:
Neurofibromatosis, type 1 (NF1). Also called: Peripheral type neurofibromatosis; VON RECKLINGHAUSEN DISEASE; NEUROFIBROMATOSIS, TYPE I, SOMATIC; Neurofibromatosis, type I. Identifiers: Orphanet 636, MedGen C0027831, MONDO:0018975, OMIM 162200. Disease mechanism: loss of function.

Submissions (2):

3billion
Classification: Uncertain significance for Neurofibromatosis, type 1. Last evaluated: 2022-05-22. Review status: criteria provided, single submitter. Criteria: ACMG Guidelines, 2015. Collection method: clinical testing. Allele origin: germline. Affected: yes. Observed: 1 heterozygote.
Comment: The variant is not observed in the gnomAD v2.1.1 dataset. In silico tool predictions suggest damaging effect of the variant on gene or gene product (REVEL: 0.83; 3Cnet: 0.68). Same nucleotide change resulting in same amino acid change has been previously reported to be associated with NF1 related disorder (PMID: 11735023), but the evidence of pathogenicity is insufficient at this time. Therefore, this variant is classified as uncertain significanceaccording to the recommendation of ACMG/AMP guideline.

UniProtKB/Swiss-Prot
No classification provided. Review status: no classification provided. Collection method: not provided. Allele origin: not provided. Not counted in ClinVar's aggregate classification.

Literature cited by the submitters: PubMed 11735023 (cited by 3billion).